The following is an entry in ClinVar:

ClinVar aggregate classification (germline): Uncertain significance (1 of 4 stars; one submission).

Conditions:
Deficiency of butyrylcholinesterase (BCHED). Also called: Acholinesterasemia; Deficiency of butyrylcholine esterase; BCHE, silent 1; Butyrylcholinesterase deficiency. Identifiers: Orphanet 132, MedGen C1283400, MONDO:0015270, OMIM 617936.

Submission:

Juno Genomics, Hangzhou Juno Genomics, Inc
Classification: Uncertain significance for Deficiency of butyrylcholinesterase. Review status: criteria provided, single submitter. Criteria: ACMG Guidelines, 2015. Collection method: clinical testing. Allele origin: germline.
Comment: Null variant in a gene where loss of function (LOF) is a known mechanism of disease.;Absent from controls (or at extremely low frequency if recessive) in Genome Aggregation Database.

NM_000055.4(BCHE):c.1685-1G>T

Gene: BCHE (butyrylcholinesterase; minus strand). Cytogenetic location: 3q26.1.
Variant type: single nucleotide variant.
Coding change: c.1685-1G>T on transcript NM_000055.4 (MANE Select); the canonical splice acceptor site of the intron before coding-DNA position 1685, G replaced by T.
Molecular consequence: splice acceptor variant.
Genome position (GRCh38, 1-based): chr3:165,773,507, C>A on the plus strand (G>T on the coding strand, the complement: BCHE is on the minus strand). VCF-style: chr3-165773507-C-A. GRCh37 (hg19) VCF-style: chr3-165491295-C-A.
Identifiers: ClinVar variation 5006577 (VCV005006577.2).